The following is an entry in ClinVar:

ClinVar aggregate classification (germline): Uncertain significance. Review status: criteria provided, multiple submitters, no conflicts (2 of 4 stars). 2 submissions from 2 submitters: Uncertain significance (2). Last evaluated 2024-08-10.

Conditions:
Duane retraction syndrome. Also called: Duane Syndrome; Duane's syndrome; RETRACTION SYNDROME; Duane anomaly. Identifiers: Orphanet 233, MedGen C0013261, MONDO:0007473, HP:0009921.

Allele frequency attached by ClinVar (database versions not stated): TOPMed below 0.00001.

Submissions (2):

Ambry Genetics
Classification: Uncertain significance. Last evaluated: 2024-08-10. Review status: criteria provided, single submitter. Criteria: Ambry Variant Classification Scheme 2023. Collection method: clinical testing. Allele origin: germline.

Broad Center for Mendelian Genomics, Broad Institute of MIT and Harvard
Classification: Uncertain significance for Duane retraction syndrome. Last evaluated: 2024-02-27. Review status: criteria provided, single submitter. Criteria: ACMG Guidelines, 2015. Collection method: curation. Allele origin: germline. Inheritance: Autosomal dominant inheritance.
Comment: While this gene is still lacking sufficient evidence to establish a gene-disease association, we believe this is a possible novel gene candidate for DRS. Given the limited information about this gene-disease relationship, the significance of the p.Phe211Leu variant is uncertain. If you have any additional information about functional evidence or other individuals with this phenotype that also have variants in ACTR1B we encourage you to reach out to the Engle Lab.

NM_005735.4(ACTR1B):c.633T>A (p.Phe211Leu)

Gene: ACTR1B (actin related protein 1B; minus strand). Cytogenetic location: 2q11.2.
Variant type: single nucleotide variant.
Coding change: c.633T>A on transcript NM_005735.4 (MANE Select); coding-DNA position 633, T replaced by A.
Protein change: p.Phe211Leu; replaces phenylalanine 211 with leucine.
Molecular consequence: missense variant.
Genome position (GRCh38, 1-based): chr2:97,658,451, A>T on the plus strand (T>A on the coding strand, the complement: ACTR1B is on the minus strand). VCF-style: chr2-97658451-A-T. GRCh37 (hg19) VCF-style: chr2-98274914-A-T.
Other names: NM_005735.4:c.633T>A; c.633T>A (NM_005735.3); short protein forms F211L.
Identifiers: ClinVar variation 3024400 (VCV003024400.2), dbSNP rs1674916713, ClinGen allele CA347785476.
Genomic context (GRCh38, chr2:97,658,451, plus strand): 5'-CCCAGGTCGTGTCCACACCCTCTCGCCCCTTGTCACCTCTTTGATTGTCCGGACAACCTC[A>T]AACTCAGCCGAGGTATGGAAGTCAACCCCTTCCTTGCGCAGCAGGAGTCGGAGGTAGCGG-3'
Protein context (NP_005726.1, residues 201-221): EGVDFHTSAE[Phe211Leu]EVVRTIKERA